The following is an entry in ClinVar:

NM_001242896.3(DEPDC5):c.1846C>T (p.Arg616Cys)

Gene: DEPDC5 (DEP domain containing 5, GATOR1 subcomplex subunit; plus strand). Cytogenetic location: 22q12.3.
Variant type: single nucleotide variant.
Coding change: c.1846C>T on transcript NM_001242896.3 (MANE Select); coding-DNA position 1846, C replaced by T.
Protein change: p.Arg616Cys; replaces arginine 616 with cysteine.
Molecular consequence: missense variant. On other transcripts: non-coding transcript variant (5).
Genome position (GRCh38, 1-based): chr22:31,819,201, C>T. VCF-style: chr22-31819201-C-T. GRCh37 (hg19) VCF-style: chr22-32215187-C-T.
Other names: c.1846C>T, p.Arg616Cys (NM_001136029.4, NM_001242897.2, NM_001363852.2 and 6 more transcripts); c.1762C>T, p.Arg588Cys (NM_001369901.1, NM_001369902.1); short protein forms R588C, R616C.
Identifiers: ClinVar variation 1708810 (VCV001708810.3), dbSNP rs2519378830, ClinGen allele CA411281154.

ClinVar aggregate classification (germline): Likely pathogenic (1 of 4 stars; one submission).

Allele frequency attached by ClinVar (database versions not stated): gnomAD exomes below 0.00001.
gnomAD v4.1: 1 of 1,614,160 alleles (0.000062%); highest among the groups gnomAD compares: East Asian, 0.0022%; no homozygotes.

Submission:

GeneDx
Classification: Likely pathogenic. Last evaluated: 2023-06-29. Review status: criteria provided, single submitter. Criteria: GeneDx Variant Classification Process June 2021. Collection method: clinical testing. Allele origin: germline. Affected: yes.
Comment: Not observed at significant frequency in large population cohorts (gnomAD); In silico analysis supports that this missense variant has a deleterious effect on protein structure/function; Has not been previously published as pathogenic or benign to our knowledge